The following is an entry in ClinVar:

NM_020778.5(ALPK3):c.1692G>A (p.Ser564=)

Gene: ALPK3 (alpha kinase 3; plus strand). Cytogenetic location: 15q25.3.
Variant type: single nucleotide variant.
Coding change: c.1692G>A on transcript NM_020778.5 (MANE Select); coding-DNA position 1692, G replaced by A.
Protein change: p.Ser564=; no amino-acid change (serine 564 retained).
Molecular consequence: synonymous variant.
Genome position (GRCh38, 1-based): chr15:84,856,430, G>A. VCF-style: chr15-84856430-G-A. GRCh37 (hg19) VCF-style: chr15-85399661-G-A.
Other names: c.2298G>A (NM_020778.4).
Identifiers: ClinVar variation 1472551 (VCV001472551.8), dbSNP rs549394061, ClinGen allele CA7709275.

ClinVar aggregate classification (germline): Likely benign. Review status: criteria provided, multiple submitters, no conflicts (2 of 4 stars). 3 submissions from 3 submitters: Likely benign (3). Last evaluated 2025-12-31.

Conditions:
ALPK3-related disorder. Also called: ALPK3-related condition.
Cardiovascular phenotype. Identifiers: MedGen CN230736.

Allele frequency attached by ClinVar (database versions not stated): gnomAD 0.00001; TOPMed 0.00001; gnomAD exomes 0.00002.
gnomAD v4.1: 26 of 1,610,002 alleles (0.0016%); highest among the groups gnomAD compares: Admixed American, 0.0051%; no homozygotes.

Submissions (3):

Labcorp Genetics (formerly Invitae), Labcorp
Classification: Likely benign. Last evaluated: 2025-12-31. Review status: criteria provided, single submitter. Criteria: Invitae Variant Classification Sherloc (09022015). Collection method: clinical testing. Allele origin: germline.

PreventionGenetics, part of Exact Sciences
Classification: Likely benign for ALPK3-related condition. Last evaluated: 2025-12-15. Review status: criteria provided, single submitter. Criteria: ACMG Guidelines, 2015. Collection method: clinical testing. Allele origin: germline.
Comment: This variant is classified as likely benign based on ACMG/AMP sequence variant interpretation guidelines (Richards et al. 2015 PMID: 25741868, with internal and published modifications).

Ambry Genetics
Classification: Likely benign for Cardiovascular phenotype. Last evaluated: 2025-02-22. Review status: criteria provided, single submitter. Criteria: Ambry Variant Classification Scheme 2023. Collection method: clinical testing. Allele origin: germline.